The following is an entry in ClinVar:

ClinVar aggregate classification (germline): Likely benign. Review status: criteria provided, multiple submitters, no conflicts (2 of 4 stars). 2 submissions from 2 submitters: Likely benign (2). Last evaluated 2025-05-04.

Conditions:
Charcot-Marie-Tooth disease type 4. Also called: Charcot-Marie-Tooth disease, type IV; Charcot-Marie-Tooth, Type 4. Identifiers: Orphanet 64749, MedGen C4082197, MONDO:0018995.

Allele frequency attached by ClinVar (database versions not stated): gnomAD exomes 0.00001 and 0.00002.
gnomAD v4.1: 33 of 1,611,270 alleles (0.002%); highest among the groups gnomAD compares: Non-Finnish European, 0.0027%; no homozygotes.

Submissions (2):

Labcorp Genetics (formerly Invitae), Labcorp
Classification: Likely benign for Charcot-Marie-Tooth disease type 4. Last evaluated: 2025-05-04. Review status: criteria provided, single submitter. Criteria: Invitae Variant Classification Sherloc (09022015). Collection method: clinical testing. Allele origin: germline.

GeneDx
Classification: Likely benign. Last evaluated: 2017-12-05. Review status: criteria provided, single submitter. Criteria: GeneDx Variant Classification (06012015). Collection method: clinical testing. Allele origin: germline. Affected: yes.
Comment: This variant is considered likely benign or benign based on one or more of the following criteria: it is a conservative change, it occurs at a poorly conserved position in the protein, it is predicted to be benign by multiple in silico algorithms, and/or has population frequency not consistent with disease.

NM_030962.4(SBF2):c.5231+19C>T

Genes: SBF2 (SET binding factor 2; minus strand), SBF2-AS1 (SBF2 antisense RNA 1; plus strand), LOC105369149 (uncharacterized LOC105369149; plus strand). Cytogenetic location: 11p15.4.
Variant type: single nucleotide variant.
Coding change: c.5231+19C>T on transcript NM_030962.4 (MANE Select); 19 bases into the intron after coding-DNA position 5231, C replaced by T.
Molecular consequence: intron variant.
Genome position (GRCh38, 1-based): chr11:9,785,106, G>A on the plus strand (C>T on the coding strand, the complement: SBF2 is on the minus strand). VCF-style: chr11-9785106-G-A. GRCh37 (hg19) VCF-style: chr11-9806653-G-A.
Other names: c.5102+19C>T (NM_001386342.1); c.5327+19C>T (NM_001386339.1).
Identifiers: ClinVar variation 513875 (VCV000513875.6), dbSNP rs1250788397, ClinGen allele CA597901307.